The following is an entry in ClinVar:

Conditions:
Breast-ovarian cancer, familial, susceptibility to, 1 (BROVCA1). Also called: BRCA1 Hereditary Breast and Ovarian Cancer; OVARIAN CANCER, SUSCEPTIBILITY TO. Identifiers: Orphanet 145, MedGen C2676676, MONDO:0011450, OMIM 604370. Disease mechanism: loss of function.

Submission:

Brotman Baty Institute, University of Washington
No classification provided (evidence only). Condition: Breast-ovarian cancer, familial 1. Review status: no classification provided. Collection method: in vitro. Allele origin: not applicable. Functional consequence: function_uncertain_variant.
ClinVar note: "not provided" was previously submitted as the classification for the variant. However, the classification appeared to be based only on an observation of functional data so it was converted to no classification on 2025-07-30.

NM_007294.4(BRCA1):c.128T>G (p.Phe43Cys)

Gene: BRCA1 (BRCA1 DNA repair associated; minus strand). Cytogenetic location: 17q21.31.
Variant type: single nucleotide variant.
Coding change: c.128T>G on transcript NM_007294.4 (MANE Select); coding-DNA position 128, T replaced by G.
Protein change: p.Phe43Cys; replaces phenylalanine 43 with cysteine.
Molecular consequence: missense variant. On other transcripts: non-coding transcript variant (1), intron variant (1).
Genome position (GRCh38, 1-based): chr17:43,115,732, A>C on the plus strand (T>G on the coding strand, the complement: BRCA1 is on the minus strand). VCF-style: chr17-43115732-A-C. GRCh37 (hg19) VCF-style: chr17-41267749-A-C.
Other names: c.-61T>G (NM_001407571.1, NM_001407853.1, NM_001407879.1 and 52 more transcripts); c.128T>G, p.Phe43Cys (NM_001407581.1, NM_001407582.1, NM_001407583.1 and 192 more transcripts); c.-130T>G (NM_001407694.1, NM_001407696.1, NM_001407724.1 and 13 more transcripts); c.-134T>G (NM_001407695.1, NM_001408465.1); c.-14T>G (NM_001407697.1, NM_001407725.1, NM_001407728.1 and 47 more transcripts); c.-10T>G (NM_001407841.1); c.-177T>G (NM_001407889.1, NM_001407900.1, NM_001408492.1); c.-176T>G (NM_001407960.1, NM_001407962.1, NM_001408510.1 and 1 more transcripts); and 2 more; short protein forms F43C.
Identifiers: ClinVar variation 867830 (VCV000867830.3), dbSNP rs1298544053, ClinGen allele CA10601900.